The following is an entry in ClinVar:

NM_000081.4(LYST):c.718G>C (p.Glu240Gln)

Gene: LYST (lysosomal trafficking regulator; minus strand). Cytogenetic location: 1q42.3.
Variant type: single nucleotide variant.
Coding change: c.718G>C on transcript NM_000081.4 (MANE Select); coding-DNA position 718, G replaced by C.
Protein change: p.Glu240Gln; replaces glutamic acid 240 with glutamine.
Molecular consequence: missense variant.
Genome position (GRCh38, 1-based): chr1:235,810,100, C>G on the plus strand (G>C on the coding strand, the complement: LYST is on the minus strand). VCF-style: chr1-235810100-C-G. GRCh37 (hg19) VCF-style: chr1-235973400-C-G.
Other names: p.Glu240Gln; c.718G>C, p.Glu240Gln (NM_001301365.1); short protein forms E240Q.
Identifiers: ClinVar variation 4542468 (VCV004542468.1).
Genomic context (GRCh38, chr1:235,810,100, plus strand): 5'-CATGACATAAGTCAAATGGAGAATTGTTCATGTTACTGATAACAGACAAGGCAGCTGGCT[C>G]ACTTAAAATGTCAGTGTTTGACCCCTGTCTTGGAATAATCTCTCTGGAATTTTCCAAAGC-3'
Protein context (NP_000072.2, residues 230-250): RQGSNTDILS[Glu240Gln]PAALSVISNM

ClinVar aggregate classification (germline): Uncertain significance (1 of 4 stars; one submission).

Submission:

Mayo Clinic Laboratories, Mayo Clinic
Classification: Uncertain significance. Last evaluated: 2025-05-01. Review status: criteria provided, single submitter. Criteria: ACMG Guidelines, 2015. Collection method: clinical testing. Allele origin: germline. Observed: 1 variant allele.
Comment: BP4_moderate, PM2_supporting